The following is an entry in ClinVar:

NM_016038.4(SBDS):c.386C>G (p.Thr129Ser)

Gene: SBDS (SBDS ribosome maturation factor; minus strand). Cytogenetic location: 7q11.21.
Variant type: single nucleotide variant.
Coding change: c.386C>G on transcript NM_016038.4 (MANE Select); coding-DNA position 386, C replaced by G.
Protein change: p.Thr129Ser; replaces threonine 129 with serine.
Molecular consequence: missense variant.
Genome position (GRCh38, 1-based): chr7:66,993,290, G>C on the plus strand (C>G on the coding strand, the complement: SBDS is on the minus strand). VCF-style: chr7-66993290-G-C. GRCh37 (hg19) VCF-style: chr7-66458277-G-C.
Other names: c.386C>G (NM_016038.2); short protein forms T129S.
Identifiers: ClinVar variation 1337847 (VCV001337847.7), dbSNP rs535755807, ClinGen allele CA4279172.

ClinVar aggregate classification (germline): Uncertain significance. Review status: criteria provided, multiple submitters, no conflicts (2 of 4 stars). 3 submissions from 3 submitters: Uncertain significance (3). Last evaluated 2024-12-07.

Conditions:
Inborn genetic diseases. Identifiers: MedGen C0950123, MeSH D030342.

Allele frequency attached by ClinVar (database versions not stated): TOPMed below 0.00001; gnomAD 0.00001 and 0.00002; gnomAD exomes 0.00002 and 0.00003; ExAC 0.00004; 1000 Genomes Project 30x 0.00016; 1000 Genomes Project 0.00020.
gnomAD v4.1: 30 of 1,614,110 alleles (0.0019%); highest among the groups gnomAD compares: South Asian, 0.032%; no homozygotes.

Submissions (3):

Ambry Genetics
Classification: Uncertain significance for Inborn genetic diseases. Last evaluated: 2024-12-07. Review status: criteria provided, single submitter. Criteria: Ambry Variant Classification Scheme 2023. Collection method: clinical testing. Allele origin: germline.
Comment: The p.T129S variant (also known as c.386C>G), located in coding exon 3 of the SBDS gene, results from a C to G substitution at nucleotide position 386. The threonine at codon 129 is replaced by serine, an amino acid with similar properties. This amino acid position is conserved. In addition, the in silico prediction for this alteration is inconclusive. Based on the available evidence, the clinical significance of this variant remains unclear.

Blueprint Genetics
Classification: Uncertain significance. Last evaluated: 2024-07-02. Review status: criteria provided, single submitter. Criteria: ACMG Guidelines, 2015. Collection method: clinical testing. Allele origin: germline.

Genetic Services Laboratory, University of Chicago
Classification: Uncertain significance. Last evaluated: 2021-03-05. Review status: criteria provided, single submitter. Criteria: ACMG Guidelines, 2015. Collection method: clinical testing. Allele origin: germline. Affected: no.
Comment: This sequence change does not appear to have been previously described in patients with SBDS-related disorders and has been described in the gnomAD database with a low population frequency of 0.0032% (dbSNP rs535755807). The p.Thr129Ser change affects a moderately conserved amino acid residue located in a domain of the SBDS protein that is known to be functional. In-silico pathogenicity prediction tools (SIFT, PolyPhen2, Align GVGD, REVEL) provide contradictory results for the p.Thr129Ser substitution. Due to these contrasting evidences and the lack of functional studies, the clinical significance of the p.Thr129Ser change remains unknown at this time.